The following is an entry in ClinVar:

ClinVar aggregate classification (germline): Uncertain significance (1 of 4 stars; one submission).

Allele frequency attached by ClinVar (database versions not stated): gnomAD exomes below 0.00001.
gnomAD v4.1: 2 of 1,210,808 alleles (0.00017%); highest among the groups gnomAD compares: African/African-American, 0.0017%; no homozygotes.

Submission:

GeneDx
Classification: Uncertain significance. Last evaluated: 2025-02-10. Review status: criteria provided, single submitter. Criteria: GeneDx Variant Classification Process June 2021. Collection method: clinical testing. Allele origin: germline. Affected: yes.
Comment: Not observed at significant frequency in large population cohorts (gnomAD); In silico analysis supports that this missense variant has a deleterious effect on protein structure/function; Has not been previously published as pathogenic or benign to our knowledge

NM_181303.2(NLGN3):c.1390C>T (p.Arg464Cys)

Gene: NLGN3 (neuroligin 3; plus strand). Cytogenetic location: Xq13.1.
Variant type: single nucleotide variant.
Coding change: c.1390C>T on transcript NM_181303.2 (MANE Select); coding-DNA position 1390, C replaced by T.
Protein change: p.Arg464Cys; replaces arginine 464 with cysteine.
Molecular consequence: missense variant.
Genome position (GRCh38, 1-based): chrX:71,167,487, C>T. VCF-style: chrX-71167487-C-T. GRCh37 (hg19) VCF-style: chrX-70387337-C-T.
Other names: c.1270C>T, p.Arg424Cys (NM_001166660.2); c.979C>T, p.Arg327Cys (NM_001321276.2); c.1330C>T, p.Arg444Cys (NM_018977.4); short protein forms R327C, R424C, R444C, R464C.
Identifiers: ClinVar variation 2501517 (VCV002501517.2), dbSNP rs2519768115, ClinGen allele CA413562595.